The following is an entry in ClinVar:

NM_004425.4(ECM1):c.792G>A (p.Glu264=)

Gene: ECM1 (extracellular matrix protein 1; plus strand). Cytogenetic location: 1q21.2.
Variant type: single nucleotide variant.
Coding change: c.792G>A on transcript NM_004425.4 (MANE Select); coding-DNA position 792, G replaced by A.
Protein change: p.Glu264=; no amino-acid change (glutamic acid 264 retained).
Molecular consequence: synonymous variant. On other transcripts: intron variant (1).
Genome position (GRCh38, 1-based): chr1:150,511,540, G>A. VCF-style: chr1-150511540-G-A. GRCh37 (hg19) VCF-style: chr1-150484016-G-A.
Other names: c.873G>A, p.Glu291= (NM_001202858.2); c.708+342G>A (NM_022664.3).
Identifiers: ClinVar variation 787216 (VCV000787216.9), dbSNP rs78194273, ClinGen allele CA1077554.

ClinVar aggregate classification (germline): Benign. Review status: criteria provided, multiple submitters, no conflicts (2 of 4 stars). 5 submissions from 5 submitters: Benign (4). 1 of the submissions does not count toward it. Last evaluated 2023-04-11.

Conditions:
Lipid proteinosis. Also called: Lipoid Proteinosis of Urbach and Wiethe; Urbach Wiethe disease; lipoid proteinosis; HYALINOSIS CUTIS ET MUCOSAE. Identifiers: Orphanet 530, MedGen C0023795, MONDO:0009530, OMIM 247100.
ECM1-related disorder. Also called: ECM1-related condition.

Allele frequency attached by ClinVar (database versions not stated): gnomAD exomes 0.00134 and 0.00381; ExAC 0.00455; gnomAD 0.01381 and 0.01478; TOPMed 0.01483; ESP Exome Variant Server 0.01615; 1000 Genomes Project 0.01637; 1000 Genomes Project 30x 0.01796.
gnomAD v4.1: 4,137 of 1,614,182 alleles (0.26%); highest among the groups gnomAD compares: African/African-American, 4.8%; 95 homozygotes.

Submissions (5):

Genome-Nilou Lab
Classification: Benign for Lipid proteinosis. Last evaluated: 2023-04-11. Review status: criteria provided, single submitter. Criteria: ACMG Guidelines, 2015. Collection method: clinical testing. Allele origin: germline. Affected: no.

Labcorp Genetics (formerly Invitae), Labcorp
Classification: Benign. Last evaluated: 2019-12-31. Review status: criteria provided, single submitter. Criteria: Invitae Variant Classification Sherloc (09022015). Collection method: clinical testing. Allele origin: germline.

GeneDx
Classification: Benign. Last evaluated: 2018-07-09. Review status: criteria provided, single submitter. Criteria: GeneDx Variant Classification Process June 2021. Collection method: clinical testing. Allele origin: germline. Affected: yes.

Breakthrough Genomics
Classification: Benign. Review status: criteria provided, single submitter. Criteria: ACMG Guidelines, 2015. Collection method: not provided. Allele origin: germline. Inheritance: Autosomal recessive inheritance. Affected: yes.

PreventionGenetics, part of Exact Sciences
Classification: Benign for ECM1-related condition. Last evaluated: 2019-11-07. Review status: no assertion criteria provided. Collection method: clinical testing. Allele origin: germline. Not counted in ClinVar's aggregate classification.
Comment: This variant is classified as benign based on ACMG/AMP sequence variant interpretation guidelines (Richards et al. 2015 PMID: 25741868, with internal and published modifications).